The following is an entry in ClinVar:

ClinVar aggregate classification (germline): Uncertain significance (1 of 4 stars; one submission).

Conditions:
Familial adenomatous polyposis 1 (FAP1). Also called: FAMILIAL ADENOMATOUS POLYPOSIS 1, ATTENUATED; POLYPOSIS, ADENOMATOUS INTESTINAL. Identifiers: MedGen C2713442, MONDO:0021056, OMIM 175100. Disease mechanism: loss of function.

Submission:

Labcorp Genetics (formerly Invitae), Labcorp
Classification: Uncertain significance for Familial adenomatous polyposis 1. Last evaluated: 2024-10-22. Review status: criteria provided, single submitter. Criteria: Invitae Variant Classification Sherloc (09022015). Collection method: clinical testing. Allele origin: germline.
Comment: This sequence change replaces proline, which is neutral and non-polar, with histidine, which is basic and polar, at codon 2773 of the APC protein (p.Pro2773His). This variant is not present in population databases (gnomAD no frequency). This variant has not been reported in the literature in individuals affected with APC-related conditions. Invitae Evidence Modeling of protein sequence and biophysical properties (such as structural, functional, and spatial information, amino acid conservation, physicochemical variation, residue mobility, and thermodynamic stability) indicates that this missense variant is not expected to disrupt APC protein function with a negative predictive value of 95%. In summary, the available evidence is currently insufficient to determine the role of this variant in disease. Therefore, it has been classified as a Variant of Uncertain Significance.

NM_000038.6(APC):c.8318C>A (p.Pro2773His)

Gene: APC (APC regulator of Wnt signaling pathway; plus strand). Cytogenetic location: 5q22.2.
Variant type: single nucleotide variant.
Coding change: c.8318C>A on transcript NM_000038.6 (MANE Select); coding-DNA position 8318, C replaced by A.
Protein change: p.Pro2773His; replaces proline 2773 with histidine.
Molecular consequence: missense variant. On other transcripts: non-coding transcript variant (2).
Genome position (GRCh38, 1-based): chr5:112,843,912, C>A. VCF-style: chr5-112843912-C-A. GRCh37 (hg19) VCF-style: chr5-112179609-C-A.
Other names: c.8318C>A, p.Pro2773His (NM_001127510.3, NM_001354895.2, NM_001407450.1); c.8264C>A, p.Pro2755His (NM_001127511.3); c.8372C>A, p.Pro2791His (NM_001354896.2, NM_001407447.1, NM_001407448.1 and 1 more transcripts); c.8348C>A, p.Pro2783His (NM_001354897.2); c.8243C>A, p.Pro2748His (NM_001354898.2); c.8234C>A, p.Pro2745His (NM_001354899.2); c.8195C>A, p.Pro2732His (NM_001354900.2); c.8141C>A, p.Pro2714His (NM_001354901.2, NM_001407453.1); and 11 more; short protein forms P2389H, P2490H, P2613H, P2644H, P2647H, P2672H, P2682H, P2690H.
Identifiers: ClinVar variation 3614487 (VCV003614487.2).